The following is an entry in ClinVar:

ClinVar aggregate classification (germline): Uncertain significance. Review status: criteria provided, multiple submitters, no conflicts (2 of 4 stars). 3 submissions from 3 submitters: Uncertain significance (3). Last evaluated 2024-10-22.

Conditions:
Autosomal recessive limb-girdle muscular dystrophy type 2K. Also called: MUSCULAR DYSTROPHY-DYSTROGLYCANOPATHY (LIMB-GIRDLE), TYPE C, 1; MUSCULAR DYSTROPHY, LIMB-GIRDLE, TYPE 2K. Identifiers: Orphanet 86812, MedGen C1836373, MONDO:0012248, OMIM 609308.
Muscular dystrophy-dystroglycanopathy (congenital with impaired intellectual development), type B, 1. Also called: Muscular dystrophy-dystroglycanopathy (congenital with intellectual disability), type B1; MUSCULAR DYSTROPHY, CONGENITAL, POMT1-RELATED. Identifiers: MedGen C5436962, MONDO:0013159, OMIM 613155.
Walker-Warburg congenital muscular dystrophy. Also called: Muscular dystrophy-dystroglycanopathy, type A; Walker-Warburg syndrome. Identifiers: Orphanet 899, MedGen C0265221, MONDO:0000171.

Allele frequency attached by ClinVar (database versions not stated): gnomAD exomes 0.00003 and 0.00008; TOPMed 0.00002; ExAC 0.00002.
gnomAD v4.1: 122 of 1,614,188 alleles (0.0076%); highest among the groups gnomAD compares: East Asian, 0.15%; no homozygotes.

Submissions (3):

Labcorp Genetics (formerly Invitae), Labcorp
Classification: Uncertain significance for Muscular dystrophy-dystroglycanopathy (congenital with impaired intellectual development), type B, 1; Walker-Warburg congenital muscular dystrophy; Autosomal recessive limb-girdle muscular dystrophy type 2K. Last evaluated: 2024-10-22. Review status: criteria provided, single submitter. Criteria: Invitae Variant Classification Sherloc (09022015). Collection method: clinical testing. Allele origin: germline.
Comment: This sequence change replaces valine, which is neutral and non-polar, with isoleucine, which is neutral and non-polar, at codon 275 of the POMT1 protein (p.Val275Ile). This variant is present in population databases (rs772590277, gnomAD 0.006%). This variant has not been reported in the literature in individuals affected with POMT1-related conditions. ClinVar contains an entry for this variant (Variation ID: 502092). Invitae Evidence Modeling of protein sequence and biophysical properties (such as structural, functional, and spatial information, amino acid conservation, physicochemical variation, residue mobility, and thermodynamic stability) indicates that this missense variant is not expected to disrupt POMT1 protein function with a negative predictive value of 95%. In summary, the available evidence is currently insufficient to determine the role of this variant in disease. Therefore, it has been classified as a Variant of Uncertain Significance.

Eurofins Ntd Llc (ga)
Classification: Uncertain significance. Last evaluated: 2017-05-23. Review status: criteria provided, single submitter. Criteria: EGL Classification Definitions 2015. Collection method: clinical testing. Allele origin: germline. Observed: 1 variant allele, 1 heterozygote.

Illumina Laboratory Services, Illumina
Classification: Uncertain significance for Autosomal recessive limb-girdle muscular dystrophy type 2K. Last evaluated: 2017-04-27. Review status: criteria provided, single submitter. Criteria: ICSL Variant Classification Criteria 13 December 2019. Collection method: clinical testing. Allele origin: germline.

NM_001077365.2(POMT1):c.757G>A (p.Val253Ile)

Gene: POMT1 (protein O-mannosyltransferase 1; plus strand). Cytogenetic location: 9q34.13.
Variant type: single nucleotide variant.
Coding change: c.757G>A on transcript NM_001077365.2 (MANE Select); coding-DNA position 757, G replaced by A.
Protein change: p.Val253Ile; replaces valine 253 with isoleucine.
Molecular consequence: missense variant. On other transcripts: non-coding transcript variant (10).
Genome position (GRCh38, 1-based): chr9:131,510,317, G>A. VCF-style: chr9-131510317-G-A. GRCh37 (hg19) VCF-style: chr9-134385704-G-A.
Other names: c.595G>A, p.Val199Ile (NM_001077366.2, NM_001353194.2, NM_001374693.1); c.757G>A, p.Val253Ile (NM_001136113.2, NM_001374690.1); c.406G>A, p.Val136Ile (NM_001136114.2, NM_001353195.2, NM_001374691.1 and 1 more transcripts); c.823G>A, p.Val275Ile (NM_001353193.2, NM_007171.4); c.667G>A, p.Val223Ile (NM_001353196.2); c.661G>A, p.Val221Ile (NM_001353197.2, NM_001353198.2); c.472G>A, p.Val158Ile (NM_001353199.2); c.301G>A, p.Val101Ile (NM_001353200.2); and 2 more; short protein forms V275I, V199I, V223I, V101I, V253I, V221I, V136I, V158I.
Identifiers: ClinVar variation 502092 (VCV000502092.16), dbSNP rs772590277, ClinGen allele CA5293432.